The following is an entry in ClinVar:

ClinVar aggregate classification (germline): Uncertain significance (1 of 4 stars; one submission).

Conditions:
Inborn genetic diseases. Identifiers: MedGen C0950123, MeSH D030342.

Submission:

Ambry Genetics
Classification: Uncertain significance for Inborn genetic diseases. Last evaluated: 2026-02-21. Review status: criteria provided, single submitter. Criteria: Ambry Variant Classification Scheme 2023. Collection method: clinical testing. Allele origin: germline.
Comment: The p.G122V variant (also known as c.365G>T), located in coding exon 2 of the PIK3CA gene, results from a G to T substitution at nucleotide position 365. The glycine at codon 122 is replaced by valine, an amino acid with dissimilar properties. This amino acid position is conserved. In addition, this alteration is predicted to be deleterious by in silico analysis. Based on the available evidence, the clinical significance of this variant remains unclear.

NM_006218.4(PIK3CA):c.365G>T (p.Gly122Val)

Gene: PIK3CA (phosphatidylinositol-4,5-bisphosphate 3-kinase catalytic subunit alpha; plus strand). Cytogenetic location: 3q26.32.
Variant type: single nucleotide variant.
Coding change: c.365G>T on transcript NM_006218.4 (MANE Select); coding-DNA position 365, G replaced by T.
Protein change: p.Gly122Val; replaces glycine 122 with valine.
Molecular consequence: missense variant.
Genome position (GRCh38, 1-based): chr3:179,199,702, G>T. VCF-style: chr3-179199702-G-T. GRCh37 (hg19) VCF-style: chr3-178917490-G-T.
Other names: short protein forms G122V.
Identifiers: ClinVar variation 4825371 (VCV004825371.1).
Genomic context (GRCh38, chr3:179,199,702, plus strand): 5'-GCTGTGTATGTAATAGAATGTTATATTCTTTATGTAATTTTATTAAAGGTTTTGCTATCG[G>T]CATGCCAGTGTGTGAATTTGATATGGTTAAAGATCCAGAAGTACAGGACTTCCGAAGAAA-3'
Protein context (NP_006209.2, residues 112-132): ILNREIGFAI[Gly122Val]MPVCEFDMVK